The following is an entry in ClinVar:

NM_000302.4(PLOD1):c.215C>T (p.Ala72Val)

Gene: PLOD1 (procollagen-lysine,2-oxoglutarate 5-dioxygenase 1; plus strand). Cytogenetic location: 1p36.22.
Variant type: single nucleotide variant.
Coding change: c.215C>T on transcript NM_000302.4 (MANE Select); coding-DNA position 215, C replaced by T.
Protein change: p.Ala72Val; replaces alanine 72 with valine.
Molecular consequence: missense variant.
Genome position (GRCh38, 1-based): chr1:11,949,819, C>T. VCF-style: chr1-11949819-C-T. GRCh37 (hg19) VCF-style: chr1-12009876-C-T.
Other names: c.356C>T, p.Ala119Val (NM_001316320.2); short protein forms A119V, A72V.
Identifiers: ClinVar variation 1055789 (VCV001055789.11), dbSNP rs2100743381, ClinGen allele CA338426265.

ClinVar aggregate classification (germline): Uncertain significance (1 of 4 stars; one submission).

Conditions:
Ehlers-Danlos syndrome, kyphoscoliotic type 1 (EDSKSCL1). Also called: EHLERS-DANLOS SYNDROME, TYPE VIA; EHLERS-DANLOS SYNDROME, OCULAR-SCOLIOTIC TYPE; Ehlers-Danlos syndrome, hydroxylysine-deficient; PLOD1-Related Kyphoscoliotic Ehlers-Danlos Syndrome. Identifiers: Orphanet 1900, MedGen C0268342, MONDO:0016002, OMIM 225400. Disease mechanism: loss of function.

Submission:

Labcorp Genetics (formerly Invitae), Labcorp
Classification: Uncertain significance for Ehlers-Danlos syndrome, kyphoscoliotic type 1. Last evaluated: 2020-02-17. Review status: criteria provided, single submitter. Criteria: Invitae Variant Classification Sherloc (09022015). Collection method: clinical testing. Allele origin: germline.
Comment: This sequence change replaces alanine with valine at codon 72 of the PLOD1 protein (p.Ala72Val). The alanine residue is weakly conserved and there is a small physicochemical difference between alanine and valine. This variant is not present in population databases (ExAC no frequency). This variant has not been reported in the literature in individuals with PLOD1-related conditions. Algorithms developed to predict the effect of missense changes on protein structure and function (SIFT, PolyPhen-2, Align-GVGD) all suggest that this variant is likely to be tolerated, but these predictions have not been confirmed by published functional studies and their clinical significance is uncertain. Algorithms developed to predict the effect of sequence changes on RNA splicing suggest that this variant may create or strengthen a splice site, but this prediction has not been confirmed by published transcriptional studies. In summary, the available evidence is currently insufficient to determine the role of this variant in disease. Therefore, it has been classified as a Variant of Uncertain Significance.